The following is an entry in ClinVar:

ClinVar aggregate classification (germline): Uncertain significance (1 of 4 stars; one submission).

Conditions:
Hyperphosphatasia with impaired intellectual development syndrome 2. Also called: Hyperphosphatasia with intellectual disability syndrome 2; GLYCOSYLPHOSPHATIDYLINOSITOL BIOSYNTHESIS DEFECT 6. Identifiers: Orphanet 247262, MedGen C3553637, MONDO:0013882, OMIM 614749.

Submission:

Labcorp Genetics (formerly Invitae), Labcorp
Classification: Uncertain significance for Hyperphosphatasia with impaired intellectual development syndrome 2. Last evaluated: 2024-08-12. Review status: criteria provided, single submitter. Criteria: Invitae Variant Classification Sherloc (09022015). Collection method: clinical testing. Allele origin: germline.
Comment: This sequence change replaces tyrosine, which is neutral and polar, with asparagine, which is neutral and polar, at codon 121 of the PIGO protein (p.Tyr121Asn). This variant is not present in population databases (gnomAD no frequency). This variant has not been reported in the literature in individuals affected with PIGO-related conditions. ClinVar contains an entry for this variant (Variation ID: 1374417). Advanced modeling of protein sequence and biophysical properties (such as structural, functional, and spatial information, amino acid conservation, physicochemical variation, residue mobility, and thermodynamic stability) performed at Invitae indicates that this missense variant is expected to disrupt PIGO protein function with a positive predictive value of 80%. In summary, the available evidence is currently insufficient to determine the role of this variant in disease. Therefore, it has been classified as a Variant of Uncertain Significance.

NM_032634.4(PIGO):c.361T>A (p.Tyr121Asn)

Gene: PIGO (phosphatidylinositol glycan anchor biosynthesis class O; minus strand). Cytogenetic location: 9p13.3.
Variant type: single nucleotide variant.
Coding change: c.361T>A on transcript NM_032634.4 (MANE Select); coding-DNA position 361, T replaced by A.
Protein change: p.Tyr121Asn; replaces tyrosine 121 with asparagine.
Molecular consequence: missense variant.
Genome position (GRCh38, 1-based): chr9:35,095,205, A>T on the plus strand (T>A on the coding strand, the complement: PIGO is on the minus strand). VCF-style: chr9-35095205-A-T. GRCh37 (hg19) VCF-style: chr9-35095202-A-T.
Other names: c.361T>A, p.Tyr121Asn (NM_001201484.2, NM_152850.4); short protein forms Y121N.
Identifiers: ClinVar variation 1374417 (VCV001374417.6), dbSNP rs2131083704, ClinGen allele CA373324447.